The following is an entry in ClinVar:

ClinVar aggregate classification (germline): Uncertain significance (1 of 4 stars; one submission).

Conditions:
Cardiovascular phenotype. Identifiers: MedGen CN230736.

Submission:

Ambry Genetics
Classification: Uncertain significance for Cardiovascular phenotype. Last evaluated: 2025-03-25. Review status: criteria provided, single submitter. Criteria: Ambry Variant Classification Scheme 2023. Collection method: clinical testing. Allele origin: germline.
Comment: The p.S3R variant (also known as c.9C>G), located in coding exon 1 of the PRKAG2 gene, results from a C to G substitution at nucleotide position 9. The serine at codon 3 is replaced by arginine, an amino acid with dissimilar properties. This amino acid position is conserved. In addition, the in silico prediction for this alteration is inconclusive. Based on the available evidence, the clinical significance of this variant remains unclear.

NM_016203.4(PRKAG2):c.9C>G (p.Ser3Arg)

Gene: PRKAG2 (protein kinase AMP-activated non-catalytic subunit gamma 2; minus strand). Cytogenetic location: 7q36.1.
Variant type: single nucleotide variant.
Coding change: c.9C>G on transcript NM_016203.4 (MANE Select); coding-DNA position 9, C replaced by G.
Protein change: p.Ser3Arg; replaces serine 3 with arginine.
Molecular consequence: missense variant.
Genome position (GRCh38, 1-based): chr7:151,876,612, G>C on the plus strand (C>G on the coding strand, the complement: PRKAG2 is on the minus strand). VCF-style: chr7-151876612-G-C. GRCh37 (hg19) VCF-style: chr7-151573697-G-C.
Other names: c.9C>G, p.Ser3Arg (NM_001407021.1, NM_001407022.1, NM_001407023.1 and 2 more transcripts); short protein forms S3R.
Identifiers: ClinVar variation 3938071 (VCV003938071.1).
Genomic context (GRCh38, chr7:151,876,612, plus strand): 5'-CTTGCCGCCGCTCCCGCCGGGGCTGGAAACATCTTTTTTCTTCTTGGTGTCCATAACCGC[G>C]CTTCCCATAACTCTAACCAGAAGTTGATTCTGCGAAACTCCTCGGGGGTTCGGTCCCCTC-3'
Protein context (NP_057287.2, residues 1-13): MG[Ser3Arg]AVMDTKKKKD